The following is an entry in ClinVar:

ClinVar aggregate classification (germline): Pathogenic (1 of 4 stars; one submission).

Conditions:
Jeune thoracic dystrophy. Also called: Jeune's syndrome; Chondroectodermal dysplasia-like syndrome; Short-rib thoracic dysplasia; Jeune syndrome; Infantile thoracic dystrophy; Thoracic pelvic phalangeal dystrophy. Identifiers: Orphanet 474, MedGen C0265275, MONDO:0018770.

Submission:

Labcorp Genetics (formerly Invitae), Labcorp
Classification: Pathogenic for Jeune thoracic dystrophy. Last evaluated: 2023-07-29. Review status: criteria provided, single submitter. Criteria: Invitae Variant Classification Sherloc (09022015). Collection method: clinical testing. Allele origin: unknown.
Comment: This variant is a gross deletion of the genomic region encompassing exon(s) 66 of the DYNC2H1 gene. This deletion is out-of-frame, and is expected to create a premature termination codon and result in an absent or disrupted protein product. Loss-of-function variants in DYNC2H1 are known to be pathogenic (PMID: 23339108, 32753734, 33755199). This variant has not been reported in the literature in individuals affected with DYNC2H1-related conditions. For these reasons, this variant has been classified as Pathogenic.

Literature cited by the submitters: PubMed 23339108; PubMed 32753734; PubMed 33755199.

NC_000011.9:g.(?_103115960)_(103116123_?)del

Gene: DYNC2H1 (dynein cytoplasmic 2 heavy chain 1; plus strand). Cytogenetic location: 11q22.3.
Variant type: Deletion.
Identifiers: ClinVar variation 3244561 (VCV003244561.1).